The following is an entry in ClinVar:

NM_001164508.2(NEB):c.7961T>A (p.Leu2654Ter)

Gene: NEB (nebulin; minus strand). Cytogenetic location: 2q23.3.
Variant type: single nucleotide variant.
Coding change: c.7961T>A on transcript NM_001164508.2 (MANE Select); coding-DNA position 7961, T replaced by A.
Protein change: p.Leu2654Ter; replaces leucine 2654 with a stop codon.
Molecular consequence: nonsense.
Genome position (GRCh38, 1-based): chr2:151,643,349, A>T on the plus strand (T>A on the coding strand, the complement: NEB is on the minus strand). VCF-style: chr2-151643349-A-T. GRCh37 (hg19) VCF-style: chr2-152499863-A-T.
Other names: c.7961T>A, p.Leu2654Ter (NM_001164507.2, NM_001271208.2, NM_004543.5); short protein forms L2654*.
Identifiers: ClinVar variation 4814789 (VCV004814789.1).

ClinVar aggregate classification (germline): Likely pathogenic (1 of 4 stars; one submission).

Conditions:
Nemaline myopathy 2 (NEM2). Also called: Nemaline myopathy 2, autosomal recessive. Identifiers: MedGen C1850569, MONDO:0009725, OMIM 256030.

Submission:

Natera, Inc.
Classification: Likely pathogenic for Nemaline myopathy type 2. Last evaluated: 2024-08-28. Review status: criteria provided, single submitter. Criteria: Natera Variant Classification Schema (03/2026). Collection method: clinical testing. Allele origin: germline.
Comment: The c.7961T>A variant in NEB is a nonsense variant predicted to introduce a stop codon at amino acid 2654. This variant is expected to result in nonsense mediated decay, truncation, or a dysfunctional protein product. This variant is rare in the general population with a frequency below the threshold expected for the associated phenotype(s). Given the available evidence, this variant is classified as Likely Pathogenic.